The following is an entry in ClinVar:

NM_001408.3(CELSR2):c.5969G>A (p.Arg1990His)

Gene: CELSR2 (cadherin EGF LAG seven-pass G-type receptor 2; plus strand). Cytogenetic location: 1p13.3.
Variant type: single nucleotide variant.
Coding change: c.5969G>A on transcript NM_001408.3 (MANE Select); coding-DNA position 5969, G replaced by A.
Protein change: p.Arg1990His; replaces arginine 1990 with histidine.
Molecular consequence: missense variant.
Genome position (GRCh38, 1-based): chr1:109,266,162, G>A. VCF-style: chr1-109266162-G-A. GRCh37 (hg19) VCF-style: chr1-109808784-G-A.
Other names: short protein forms R1990H.
Identifiers: ClinVar variation 4737563 (VCV004737563.1).

ClinVar aggregate classification (germline): Uncertain significance (1 of 4 stars; one submission).

Submission:

Labcorp Genetics (formerly Invitae), Labcorp
Classification: Uncertain significance. Last evaluated: 2025-11-23. Review status: criteria provided, single submitter. Criteria: Invitae Variant Classification Sherloc (09022015). Collection method: clinical testing. Allele origin: germline.
Comment: This sequence change replaces arginine, which is basic and polar, with histidine, which is basic and polar, at codon 1990 of the CELSR2 protein (p.Arg1990His). This variant is present in population databases (rs141227234, gnomAD 0.2%), and has an allele count higher than expected for a pathogenic variant. This missense change has been observed in individual(s) with encephalocele (PMID: 29618362). Invitae Evidence Modeling of protein sequence and biophysical properties (such as structural, functional, and spatial information, amino acid conservation, physicochemical variation, residue mobility, and thermodynamic stability) indicates that this missense variant is not expected to disrupt CELSR2 protein function with a negative predictive value of 80%. In summary, the available evidence is currently insufficient to determine the role of this variant in disease. Therefore, it has been classified as a Variant of Uncertain Significance.

Literature cited by the submitters: PubMed 29618362.